The following is an entry in ClinVar:

NM_001267550.2(TTN):c.17287T>C (p.Trp5763Arg)

Genes: TTN (titin; minus strand), LOC126806431 (CDK7 strongly-dependent group 2 enhancer GRCh37_chr2:179595719-179596918; plus strand). Cytogenetic location: 2q31.2.
Variant type: single nucleotide variant.
Coding change: c.17287T>C on transcript NM_001267550.2 (MANE Select); coding-DNA position 17287, T replaced by C.
Protein change: p.Trp5763Arg; replaces tryptophan 5763 with arginine.
Molecular consequence: missense variant. On other transcripts: intron variant (3).
Genome position (GRCh38, 1-based): chr2:178,731,479, A>G on the plus strand (T>C on the coding strand, the complement: TTN is on the minus strand). VCF-style: chr2-178731479-A-G. GRCh37 (hg19) VCF-style: chr2-179596206-A-G.
Other names: c.16336T>C, p.Trp5446Arg (NM_001256850.1); c.13555T>C, p.Trp4519Arg (NM_133378.4); c.13282+6603T>C (NM_003319.4); c.13858+6603T>C (NM_133437.4); c.13657+6603T>C (NM_133432.3); short protein forms W4519R, W5446R, W5763R.
Identifiers: ClinVar variation 4881989 (VCV004881989.2).
Genomic context (GRCh38, chr2:178,731,479, plus strand): 5'-TGTTCTCAAAGGTCATTCTTATATTATCGTCTTCAGTGATTTCATCGCTGTCTTTTAGCC[A>G]AGTCACCGTAATTGGCAAGGAGCCCTTCAGAGTGGCCTGGAAGGCAGCTGTGCCTCCCCG-3'
Protein context (NP_001254479.2, residues 5753-5773): LKGSLPITVT[Trp5763Arg]LKDSDEITED

ClinVar aggregate classification (germline): Uncertain significance (1 of 4 stars; one submission).

gnomAD v4.1: 1 of 1,613,666 alleles (0.000062%); highest among the groups gnomAD compares: Non-Finnish European, 0.000085%; no homozygotes.

Submission:

Dasa
Classification: Uncertain significance. Last evaluated: 2025-10-27. Review status: criteria provided, single submitter. Criteria: DASA Assertion Criteria. Collection method: clinical testing. Allele origin: germline.
Comment: NM_001267550.2(TTN):c.17287T>C (p.Trp5763Arg) is a missense variant that results in the substitution of tryptophan with arginine. This variant is rare in population databases. Computational prediction algorithms are consistent with a deleterious effect. The currently available literature and clinical evidence are not sufficient to establish a definitive association between this variant and the reported condition. Therefore, this variant is classified as a variant of uncertain significance.